The following is an entry in ClinVar:

NM_001356.5(DDX3X):c.1696_1697del (p.Glu566fs)

Gene: DDX3X (DEAD-box helicase 3 X-linked; plus strand). Cytogenetic location: Xp11.4.
Variant type: Deletion.
Coding change: c.1696_1697del on transcript NM_001356.5 (MANE Select); coding-DNA positions 1696 to 1697, 2 bases deleted (GA; older notation c.1696_1697delGA).
Protein change: p.Glu566fs; shifts the reading frame from glutamic acid 566.
Molecular consequence: frameshift variant. On other transcripts: non-coding transcript variant (1).
Genome position (GRCh38, 1-based): chrX:41,346,939-41,346,940, GA deleted; deleting any 2 consecutive bases within chrX:41,346,938-41,346,940 gives the same sequence; the c. name uses the placement nearest the transcript's 3' end. VCF-style (leftmost placement, unchanged base first): chrX-41346937-AAG-A. GRCh37 (hg19) VCF-style: chrX-41206190-AAG-A.
Other names: c.1696_1697del, p.Glu566fs (NM_001193416.3); c.1648_1649del, p.Glu550fs (NM_001193417.3); c.1138_1139del, p.Glu380fs (NM_001363819.1); short protein forms E380fs, E550fs, E566fs.
Identifiers: ClinVar variation 2228136 (VCV002228136.2), dbSNP rs2519525696, ClinGen allele CA2580101011.

ClinVar aggregate classification (germline): Pathogenic (1 of 4 stars; one submission).

Conditions:
Inborn genetic diseases. Identifiers: MedGen C0950123, MeSH D030342.

Submission:

Ambry Genetics
Classification: Pathogenic for Inborn genetic diseases. Last evaluated: 2020-12-07. Review status: criteria provided, single submitter. Criteria: Ambry Variant Classification Scheme 2023. Collection method: clinical testing. Allele origin: germline.
Comment: The c.1696_1697delGA (p.E566Sfs*11) alteration, located in exon 15 (coding exon 15) of the DDX3X gene, consists of a deletion of 2 nucleotides from position 1696 to 1697, causing a translational frameshift with a predicted alternate stop codon after 11 amino acids. This alteration is expected to result in loss of function by premature protein truncation or nonsense-mediated mRNA decay. Based on the available evidence, this alteration is classified as pathogenic.